The following is an entry in ClinVar:

NM_001084.5(PLOD3):c.2083C>T (p.Arg695Cys)

Gene: PLOD3 (procollagen-lysine,2-oxoglutarate 5-dioxygenase 3; minus strand). Cytogenetic location: 7q22.1.
Variant type: single nucleotide variant.
Coding change: c.2083C>T on transcript NM_001084.5 (MANE Select); coding-DNA position 2083, C replaced by T.
Protein change: p.Arg695Cys; replaces arginine 695 with cysteine.
Molecular consequence: missense variant.
Genome position (GRCh38, 1-based): chr7:101,206,415, G>A on the plus strand (C>T on the coding strand, the complement: PLOD3 is on the minus strand). VCF-style: chr7-101206415-G-A. GRCh37 (hg19) VCF-style: chr7-100849696-G-A.
Other names: short protein forms R695C.
Identifiers: ClinVar variation 1370784 (VCV001370784.4), dbSNP rs747423129, ClinGen allele CA4407379.
Genomic context (GRCh38, chr7:101,206,415, plus strand): 5'-GGCGGCCGGGGTGCAGGAGTGCCCAGCCCTTCCTCGGGGAGGAGATCACACAGTCGTAGC[G>A]CAGGAAGCGGCAGCCACCTCCCTGGAAAGAGAAGGGAAAGGAAACATGGAGTGAGCAGAC-3'
Protein context (NP_001075.1, residues 685-705): DYEGGGCRFL[Arg695Cys]YDCVISSPRK

ClinVar aggregate classification (germline): Uncertain significance (1 of 4 stars; one submission).

Allele frequency attached by ClinVar (database versions not stated): ExAC 0.00004; gnomAD 0.00002; gnomAD exomes 0.00002; TOPMed 0.00002.
gnomAD v4.1: 30 of 1,609,520 alleles (0.0019%); highest among the groups gnomAD compares: Middle Eastern, 0.033%; no homozygotes.

Submission:

Labcorp Genetics (formerly Invitae), Labcorp
Classification: Uncertain significance. Last evaluated: 2023-08-04. Review status: criteria provided, single submitter. Criteria: Invitae Variant Classification Sherloc (09022015). Collection method: clinical testing. Allele origin: germline.
Comment: This sequence change replaces arginine, which is basic and polar, with cysteine, which is neutral and slightly polar, at codon 695 of the PLOD3 protein (p.Arg695Cys). This variant is present in population databases (rs747423129, gnomAD 0.004%). This variant has not been reported in the literature in individuals affected with PLOD3-related conditions. ClinVar contains an entry for this variant (Variation ID: 1370784). Advanced modeling of protein sequence and biophysical properties (such as structural, functional, and spatial information, amino acid conservation, physicochemical variation, residue mobility, and thermodynamic stability) performed at Invitae indicates that this missense variant is expected to disrupt PLOD3 protein function. In summary, the available evidence is currently insufficient to determine the role of this variant in disease. Therefore, it has been classified as a Variant of Uncertain Significance.